The following is an entry in ClinVar:

ClinVar aggregate classification (germline): Uncertain significance (1 of 4 stars; one submission).

Conditions:
Inborn genetic diseases. Identifiers: MedGen C0950123, MeSH D030342.

gnomAD v4.1: 1 of 1,614,192 alleles (0.000062%); no homozygotes.

Submission:

Ambry Genetics
Classification: Uncertain significance for Inborn genetic diseases. Last evaluated: 2022-10-24. Review status: criteria provided, single submitter. Criteria: Ambry Variant Classification Scheme 2023. Collection method: clinical testing. Allele origin: germline.
Comment: The p.C275Y variant (also known as c.824G>A), located in coding exon 8 of the MDH2 gene, results from a G to A substitution at nucleotide position 824. The cysteine at codon 275 is replaced by tyrosine, an amino acid with highly dissimilar properties. This amino acid position is conserved. In addition, this alteration is predicted to be deleterious by in silico analysis. Since supporting evidence is limited at this time, the clinical significance of this alteration remains unclear.

NM_005918.4(MDH2):c.824G>A (p.Cys275Tyr)

Gene: MDH2 (malate dehydrogenase 2; plus strand). Cytogenetic location: 7q11.23.
Variant type: single nucleotide variant.
Coding change: c.824G>A on transcript NM_005918.4 (MANE Select); coding-DNA position 824, G replaced by A.
Protein change: p.Cys275Tyr; replaces cysteine 275 with tyrosine.
Molecular consequence: missense variant.
Genome position (GRCh38, 1-based): chr7:76,064,892, G>A. VCF-style: chr7-76064892-G-A. GRCh37 (hg19) VCF-style: chr7-75694210-G-A.
Other names: c.698G>A, p.Cys233Tyr (NM_001282403.2); c.503G>A, p.Cys168Tyr (NM_001282404.2); short protein forms C275Y, C168Y, C233Y.
Identifiers: ClinVar variation 1762623 (VCV001762623.2), dbSNP rs2535873275, ClinGen allele CA367768528.
Genomic context (GRCh38, chr7:76,064,892, plus strand): 5'-GCGCCCGCTTTGTCTTCTCCCTTGTGGATGCAATGAATGGAAAGGAAGGTGTTGTGGAAT[G>A]TTCCTTCGTTAAGTCACAGGAAACGGAATGTACCTACTTCTCCACACCGCTGCTGCTTGG-3'
Protein context (NP_005909.2, residues 265-285): AMNGKEGVVE[Cys275Tyr]SFVKSQETEC